The following is an entry in ClinVar:

NM_001148.6(ANK2):c.9239del (p.Pro3080fs)

Gene: ANK2 (ankyrin 2; plus strand). Cytogenetic location: 4q26.
Variant type: Deletion.
Coding change: c.9239del on transcript NM_001148.6 (MANE Select); coding-DNA position 9239, one base deleted (C; older notation c.9239delC).
Protein change: p.Pro3080fs; shifts the reading frame from proline 3080.
Molecular consequence: frameshift variant. On other transcripts: intron variant (68).
Genome position (GRCh38, 1-based): chr4:113,357,857, C deleted; the last of 4 consecutive C bases (chr4:113,357,854-113,357,857); deleting any one gives the same sequence. VCF-style (leftmost placement, unchanged base first): chr4-113357853-AC-A. GRCh37 (hg19) VCF-style: chr4-114279009-AC-A.
Other names: c.1991-2966del (NM_001354279.2, NM_001354282.2); c.1976-2966del (NM_001354280.2); c.1955-2966del (NM_001354278.2, NM_001354281.2); c.827-2966del (NM_001386167.1); c.4328-2966del (NM_001354228.2, NM_001354258.2); c.4265-2966del (NM_001354245.2, NM_001354262.2, NM_001354275.2); c.4229-2966del (NM_001354268.2); c.4127-2966del (NM_001354273.2); and 35 more; short protein forms P3119fs, P3002fs, P3080fs, P3127fs, P1880fs.
Identifiers: ClinVar variation 4613598 (VCV004613598.1).

ClinVar aggregate classification (germline): Pathogenic (1 of 4 stars; one submission).

Conditions:
Cardiovascular phenotype. Identifiers: MedGen CN230736.

Submission:

Ambry Genetics
Classification: Pathogenic for Cardiovascular phenotype. Last evaluated: 2025-11-25. Review status: criteria provided, single submitter. Criteria: Ambry Variant Classification Scheme 2023. Collection method: clinical testing. Allele origin: germline.
Comment: The c.9239delC (p.P3080Lfs*32) alteration, located in exon 38 (coding exon 38) of the ANK2 gene, consists of a deletion of one nucleotide at position 9239, causing a translational frameshift with a predicted alternate stop codon after 32 amino acids. This alteration is expected to result in loss of function by premature protein truncation or nonsense-mediated mRNA decay. This variant was not reported in population-based cohorts in the Genome Aggregation Database (gnomAD). Based on the available evidence, this alteration is classified as pathogenic.